The following is an entry in ClinVar:

ClinVar aggregate classification (germline): Likely pathogenic (1 of 4 stars; one submission).

Conditions:
Cystinosis. Also called: Cystine diathesis; Cystine storage disease; Cystinoses. Identifiers: Orphanet 213, MedGen C4316899, MONDO:0016239.

Submission:

Natera, Inc.
Classification: Likely pathogenic for Cystinosis. Last evaluated: 2025-05-21. Review status: criteria provided, single submitter. Criteria: Natera Variant Classification Schema (03/2026). Collection method: clinical testing. Allele origin: germline.
Comment: The c.665dupA variant in CTNS is a frameshift variant predicted to shift the reading frame beginning at codon 223 and leads to a stop codon 5 codons downstream. This variant is expected to result in nonsense mediated decay, truncation, or a dysfunctional protein product. This variant is rare in the general population with a frequency below the threshold expected for the associated phenotype(s). Given the available evidence, this variant is classified as Likely Pathogenic.

NM_004937.3(CTNS):c.665dup (p.Cys223fs)

Genes: CTNS-AS1 (CTNS antisense RNA 1; minus strand), CTNS (cystinosin, lysosomal cystine transporter; plus strand). Cytogenetic location: 17p13.2.
Variant type: Duplication.
Coding change: c.665dup on transcript NM_004937.3 (MANE Select); coding-DNA position 665, one base duplicated (A; older notation c.665dupA).
Protein change: p.Cys223fs; shifts the reading frame from cysteine 223.
Molecular consequence: frameshift variant.
Genome position (GRCh38, 1-based): chr17:3,656,779, A duplicated. VCF-style (leftmost placement, unchanged base first): chr17-3656778-C-CA. GRCh37 (hg19) VCF-style: chr17-3560072-C-CA.
Other names: c.665dup, p.Cys223fs (NM_001031681.3, NM_001374492.1); c.224dup, p.Cys76fs (NM_001374493.1, NM_001374494.1, NM_001374495.1 and 1 more transcripts); short protein forms C223fs, C76fs.
Identifiers: ClinVar variation 4815400 (VCV004815400.1).